The following is an entry in ClinVar:

NM_000388.4(CASR):c.232A>G (p.Ile78Val)

Gene: CASR (calcium sensing receptor; plus strand). Cytogenetic location: 3q21.1.
Variant type: single nucleotide variant.
Coding change: c.232A>G on transcript NM_000388.4 (MANE Select); coding-DNA position 232, A replaced by G.
Protein change: p.Ile78Val; replaces isoleucine 78 with valine.
Molecular consequence: missense variant.
Genome position (GRCh38, 1-based): chr3:122,257,127, A>G. VCF-style: chr3-122257127-A-G. GRCh37 (hg19) VCF-style: chr3-121975974-A-G.
Other names: c.232A>G, p.Ile78Val (NM_001178065.2); short protein forms I78V.
Identifiers: ClinVar variation 646771 (VCV000646771.10), dbSNP rs769294626, ClinGen allele CA2569451.

ClinVar aggregate classification (germline): Conflicting classifications of pathogenicity. Review status: criteria provided, conflicting classifications (1 of 4 stars). 3 submissions from 3 submitters: Uncertain significance (2); Likely benign (1). Last evaluated 2025-07-15.

Conditions:
Nephrolithiasis/nephrocalcinosis. Identifiers: MedGen CN580796.
Epilepsy, idiopathic generalized, susceptibility to, 8. Identifiers: MedGen C2752062, MONDO:0013032, OMIM 612899.
Familial hypocalciuric hypercalcemia 1. Also called: Hypercalcemia, familial benign type 1. Identifiers: Orphanet 405, Orphanet 93372, MedGen C0342637, MONDO:0007791, OMIM 145980.
Autosomal dominant hypocalcemia 1 (HYPOC1). Also called: HYPOCALCEMIA, FAMILIAL. Identifiers: MedGen C3715128, MONDO:0011013, OMIM 601198.
Neonatal severe primary hyperparathyroidism. Identifiers: Orphanet 417, MedGen C1832615, MONDO:0009397, OMIM 239200.
Familial hypocalciuric hypercalcemia (FHH). Also called: Familial benign hypercalcemia. Identifiers: Orphanet 405, MedGen C1809471, MONDO:0018458.

Allele frequency attached by ClinVar (database versions not stated): gnomAD 0.00001; gnomAD exomes 0.00001; TOPMed 0.00001; ExAC 0.00002.
gnomAD v4.1: 10 of 1,614,046 alleles (0.00062%); highest among the groups gnomAD compares: South Asian, 0.0033%; no homozygotes.

Submissions (3):

Labcorp Genetics (formerly Invitae), Labcorp
Classification: Likely benign for Familial hypocalciuric hypercalcemia; Autosomal dominant hypocalcemia 1. Last evaluated: 2025-07-15. Review status: criteria provided, single submitter. Criteria: Invitae Variant Classification Sherloc (09022015). Collection method: clinical testing. Allele origin: germline.

Ambry Genetics
Classification: Uncertain significance for Nephrolithiasis/nephrocalcinosis. Last evaluated: 2023-10-22. Review status: criteria provided, single submitter. Criteria: Ambry Variant Classification Scheme 2023. Collection method: clinical testing. Allele origin: germline.
Comment: The p.I78V variant (also known as c.232A>G), located in coding exon 2 of the CASR gene, results from an A to G substitution at nucleotide position 232. The isoleucine at codon 78 is replaced by valine, an amino acid with highly similar properties. This amino acid position is conserved. In addition, the in silico prediction for this alteration is inconclusive. Since supporting evidence is limited at this time, the clinical significance of this alteration remains unclear.

Fulgent Genetics
Classification: Uncertain significance for Familial hypocalciuric hypercalcemia 1; Neonatal severe primary hyperparathyroidism; Autosomal dominant hypocalcemia 1; Epilepsy, idiopathic generalized, susceptibility to, 8. Last evaluated: 2022-01-10. Review status: criteria provided, single submitter. Criteria: ACMG Guidelines, 2015. Collection method: clinical testing. Allele origin: unknown.